The following is an entry in ClinVar:

ClinVar aggregate classification (germline): Uncertain significance (1 of 4 stars; one submission).

Conditions:
Ehlers-Danlos syndrome, kyphoscoliotic type 1 (EDSKSCL1). Also called: EHLERS-DANLOS SYNDROME, TYPE VIA; Ehlers-Danlos syndrome, hydroxylysine-deficient; EHLERS-DANLOS SYNDROME, OCULAR-SCOLIOTIC TYPE; PLOD1-Related Kyphoscoliotic Ehlers-Danlos Syndrome. Identifiers: Orphanet 1900, MedGen C0268342, MONDO:0016002, OMIM 225400. Disease mechanism: loss of function.

Submission:

MVZ Martinsried, Medicover Genetics
Classification: Uncertain significance for Ehlers-Danlos syndrome, kyphoscoliotic type 1. Last evaluated: 2026-04-15. Review status: criteria provided, single submitter. Criteria: ClinGen Variant Curation SOP V3.2 + Classification Guidance July2025. Collection method: clinical testing. Allele origin: unknown. Affected: yes. Observed: 1 heterozygote.
Comment: PVS1_Strong, PM2_Supporting

NM_000302.4(PLOD1):c.2102dup (p.Gly702fs)

Gene: PLOD1 (procollagen-lysine,2-oxoglutarate 5-dioxygenase 1; plus strand). Cytogenetic location: 1p36.22.
Variant type: Duplication.
Coding change: c.2102dup on transcript NM_000302.4 (MANE Select); coding-DNA position 2102, one base duplicated (C; older notation c.2102dupC).
Protein change: p.Gly702fs; shifts the reading frame from glycine 702.
Molecular consequence: frameshift variant.
Genome position (GRCh38, 1-based): chr1:11,974,726, C duplicated; the last of 3 consecutive C bases (chr1:11,974,724-11,974,726); duplicating any one gives the same sequence. VCF-style (leftmost placement, unchanged base first): chr1-11974723-A-AC. GRCh37 (hg19) VCF-style: chr1-12034780-A-AC.
Other names: c.2243dup, p.Gly749fs (NM_001316320.2); short protein forms G702fs, G749fs.
Identifiers: ClinVar variation 5043474 (VCV005043474.1).